The following is an entry in ClinVar:

ClinVar aggregate classification (germline): Uncertain significance (1 of 4 stars; one submission).

Conditions:
Neuroblastoma, susceptibility to, 3. Also called: ALK-Related Neuroblastic Tumor Susceptibility. Identifiers: Orphanet 635, MedGen C2751681, MONDO:0013083, OMIM 613014.

gnomAD v4.1: 1 of 1,614,222 alleles (0.000062%); highest among the groups gnomAD compares: South Asian, 0.0011%; no homozygotes.

Submission:

Labcorp Genetics (formerly Invitae), Labcorp
Classification: Uncertain significance for Neuroblastoma, susceptibility to, 3. Last evaluated: 2023-12-15. Review status: criteria provided, single submitter. Criteria: Invitae Variant Classification Sherloc (09022015). Collection method: clinical testing. Allele origin: germline.
Comment: This sequence change replaces cysteine, which is neutral and slightly polar, with tryptophan, which is neutral and slightly polar, at codon 1097 of the ALK protein (p.Cys1097Trp). This variant is present in population databases (rs370170353, gnomAD 0.003%). This variant has not been reported in the literature in individuals affected with ALK-related conditions. An algorithm developed to predict the effect of missense changes on protein structure and function (PolyPhen-2) suggests that this variant is likely to be disruptive. In summary, the available evidence is currently insufficient to determine the role of this variant in disease. Therefore, it has been classified as a Variant of Uncertain Significance.

NM_004304.5(ALK):c.3291C>G (p.Cys1097Trp)

Gene: ALK (ALK receptor tyrosine kinase; minus strand). Cytogenetic location: 2p23.2.
Variant type: single nucleotide variant.
Coding change: c.3291C>G on transcript NM_004304.5 (MANE Select); coding-DNA position 3291, C replaced by G.
Protein change: p.Cys1097Trp; replaces cysteine 1097 with tryptophan.
Molecular consequence: missense variant.
Genome position (GRCh38, 1-based): chr2:29,223,410, G>C on the plus strand (C>G on the coding strand, the complement: ALK is on the minus strand). VCF-style: chr2-29223410-G-C. GRCh37 (hg19) VCF-style: chr2-29446276-G-C.
Other names: c.87C>G, p.Cys29Trp (NM_001353765.2); short protein forms C1097W, C29W.
Identifiers: ClinVar variation 2775462 (VCV002775462.3), dbSNP rs370170353, ClinGen allele CA1594016.
Genomic context (GRCh38, chr2:29,223,410, plus strand): 5'-GGTGATGTTTTTCCGCGGCACCTCCTTCAGGTCACTGATGGAGGAGGTCTTGCCAGCAAA[G>C]CAGTAGTTGGGGTTGTAGTCGGTCATGATGGTCGAGGTGCGGAGCTTGCTCAGCTTGTAC-3'
Protein context (NP_004295.2, residues 1087-1107): TIMTDYNPNY[Cys1097Trp]FAGKTSSISD